The following is an entry in ClinVar:

ClinVar aggregate classification (germline): Benign/Likely benign. Review status: criteria provided, multiple submitters, no conflicts (2 of 4 stars). 5 submissions from 5 submitters: Benign (2); Likely benign (2). 1 of the submissions does not count toward it. Last evaluated 2026-08-01.

Conditions:
AFF4-related disorder. Also called: AFF4-related condition.
Cognitive impairment - coarse facies - heart defects - obesity - pulmonary involvement - short stature - skeletal dysplasia syndrome. Also called: COGNITIVE IMPAIRMENT, COARSE FACIES, HEART DEFECTS, OBESITY, PULMONARY INVOLVEMENT, SHORT STATURE, AND SKELETAL DYSPLASIA; Chops syndrome; AFF4-Related CHOPS Syndrome. Identifiers: Orphanet 444077, MedGen C4085597, MONDO:0014609, OMIM 616368.

Allele frequency attached by ClinVar (database versions not stated): 1000 Genomes Project 0.00080; TOPMed 0.00148; gnomAD exomes 0.00204 and 0.00239; gnomAD 0.00212 and 0.00217; ExAC 0.00220; ESP Exome Variant Server 0.00223; 1000 Genomes Project 30x 0.00078.
gnomAD v4.1: 3,311 of 1,614,082 alleles (0.21%); highest among the groups gnomAD compares: South Asian, 0.2%; 5 homozygotes.

Submissions (5):

CeGaT Center for Human Genetics Tuebingen
Classification: Likely benign. Last evaluated: 2026-08-01. Review status: criteria provided, single submitter. Criteria: CeGaT Center For Human Genetics Tuebingen Variant Classification Criteria Version 2. Collection method: clinical testing. Allele origin: germline. Affected: yes. Observed: 7 variant alleles.
Comment: AFF4: PP2, BS1

Labcorp Genetics (formerly Invitae), Labcorp
Classification: Benign for Cognitive impairment - coarse facies - heart defects - obesity - pulmonary involvement - short stature - skeletal dysplasia syndrome. Last evaluated: 2026-01-21. Review status: criteria provided, single submitter. Criteria: Invitae Variant Classification Sherloc (09022015). Collection method: clinical testing. Allele origin: germline.

Blueprint Genetics
Classification: Likely benign. Last evaluated: 2024-11-05. Review status: criteria provided, single submitter. Criteria: ACMG Guidelines, 2015. Collection method: clinical testing. Allele origin: germline.

Genome-Nilou Lab
Classification: Benign for Cognitive impairment - coarse facies - heart defects - obesity - pulmonary involvement - short stature - skeletal dysplasia syndrome. Last evaluated: 2021-12-05. Review status: criteria provided, single submitter. Criteria: ACMG Guidelines, 2015. Collection method: clinical testing. Allele origin: germline. Affected: no.

PreventionGenetics, part of Exact Sciences
Classification: Benign for AFF4-related condition. Last evaluated: 2019-05-04. Review status: no assertion criteria provided. Collection method: clinical testing. Allele origin: germline. Not counted in ClinVar's aggregate classification.
Comment: This variant is classified as benign based on ACMG/AMP sequence variant interpretation guidelines (Richards et al. 2015 PMID: 25741868, with internal and published modifications).

NM_014423.4(AFF4):c.3319A>G (p.Thr1107Ala)

Gene: AFF4 (ALF transcription elongation factor 4; minus strand). Cytogenetic location: 5q31.1.
Variant type: single nucleotide variant.
Coding change: c.3319A>G on transcript NM_014423.4 (MANE Select); coding-DNA position 3319, A replaced by G.
Protein change: p.Thr1107Ala; replaces threonine 1107 with alanine.
Molecular consequence: missense variant.
Genome position (GRCh38, 1-based): chr5:132,883,385, T>C on the plus strand (A>G on the coding strand, the complement: AFF4 is on the minus strand). VCF-style: chr5-132883385-T-C. GRCh37 (hg19) VCF-style: chr5-132219077-T-C.
Other names: short protein forms T1107A.
Identifiers: ClinVar variation 766939 (VCV000766939.44), dbSNP rs139490054, ClinGen allele CA3408698.